The following is an entry in ClinVar:

ClinVar aggregate classification (germline): Pathogenic. Review status: reviewed by expert panel (3 of 4 stars). 5 submissions from 5 submitters: Pathogenic (1). 4 of the submissions do not count toward it. Last evaluated 2022-02-12.

Conditions:
Overgrowth syndrome and/or cerebral malformations due to abnormalities in MTOR pathway genes. Identifiers: MedGen CN300503, MONDO:0100283.
Isolated focal cortical dysplasia type II (FCORD2). Also called: Focal cortical dysplasia type II; CORTICAL DYSPLASIA OF TAYLOR. Identifiers: Orphanet 268994, MedGen C1846385, MONDO:0011818, OMIM 607341, HP:0032051.

Submissions (5):

ClinGen Brain Malformations Variant Curation Expert Panel
Classification: Pathogenic for Overgrowth syndrome and/or cerebral malformations due to abnormalities in MTOR pathway genes. Last evaluated: 2022-02-12. Review status: reviewed by expert panel. Criteria: ClinGen BrainMalform ACMG Specifications v1. Collection method: curation. Allele origin: germline. Inheritance: Autosomal dominant inheritance.
Comment: The c.6644C>T (NM_004958.4) variant in MTOR is a missense variant predicted to cause substitution of (p.Ser2215Phe). This variant is absent from gnomAD v2.1.1 (PM2_Supporting). MTOR, in which the variant was identified, is defined by the ClinGen Brain Malformations Expert Panel as a gene that has a low rate of benign missense variation and where pathogenic missense variants are a common mechanism of disease (PP2). This variant has been shown to significantly increase phosphorylation levels in experiments with case and control cells of similar isogenic backgrounds indicating that this variant impacts protein function (PMID: 27159400) (PS3_Supporting). The prevalence of the variant in affected individuals is significantly increased compared with the prevalence in controls (PS4; PMIDs: 27159400, 27830187 ; identified in 8 individuals with neuropathology confirmatory of a malformation of cortical development and 19 tumor samples in the literature and COSMIC). This variant has been confirmed de novo and has been identified with variable allelic fractions consistent with a post-zygotic event (PS2_Strong; PMIDs: 27159400, 27159400, 27830187). In summary, this variant meets the criteria to be classified as Pathogenic for mosaic autosomal dominant overgrowth with or without cerebral malformations due to abnormalities in MTOR-pathway genes based on the ACMG/AMP criteria applied, as specified by the ClinGen Brain Malformations Expert Panel: PM2_P, PP2, PS3_P, PS4, PS2; 11 points (VCEP specifications version 1; Approved: 1/31/2021)

Baylor Genetics
Classification: Pathogenic for Isolated focal cortical dysplasia type II. Last evaluated: 2023-11-27. Review status: criteria provided, single submitter. Criteria: ACMG Guidelines, 2015. Collection method: clinical testing. Allele origin: unknown. Not counted in ClinVar's aggregate classification.

Human Genome Lab, NIMHANS, National Institute of Mental Health and Neuro Sciences
Classification: Pathogenic for Isolated focal cortical dysplasia type II. Review status: criteria provided, single submitter. Criteria: ACMG Guidelines, 2015. Collection method: research. Allele origin: somatic. Affected: yes. Observed: 1 variant allele. Not counted in ClinVar's aggregate classification.
Comment: The missense variant NM_004958.4(MTOR):c.6644C>T (p.Ser2215Phe) causes the same amino acid change as a previously established pathogenic variant. The p.Ser2215Phe variant is novel (not in any individuals) in 1kG All. The p.Ser2215Phe variant is novel (not in any individuals) in gnomAD (gnomAD v.4.0.0). There is a large physicochemical difference between serine and phenylalanine, which is likely to impact secondary protein structure as these residues differ in polarity, charge, size and/or other properties. The gene MTOR has a low rate of benign missense variation as indicated by a high missense variants Z-Score of 9.49. The gene MTOR contains 52 pathogenic missense variants, indicating that missense variants are a common mechanism of disease in this gene. 4 variants within 6 amino acid positions of the variant p.Ser2215Phe have been shown to be pathogenic, while none have been shown to be benign. The p.Ser2215Phe missense variant is predicted to be damaging by both SIFT and PolyPhen2. The serine residue at codon 2215 of MTOR is conserved in all mammalian species. The nucleotide c.6644 in MTOR is predicted conserved by GERP++ and PhyloP across 100 vertebrates. The variant was validated Real-Time quantitative PCR assay and also by orthogonal pipelines such as Strelka2 and VarScan2. For these reasons, this variant has been classified as Pathogenic. (ACMG criteria - PM2 PM1 PP2 PP3 PS1 PP4)

OMIM
Classification: Pathogenic for FOCAL CORTICAL DYSPLASIA, TYPE II, SOMATIC. Last evaluated: 2020-09-16. Review status: no assertion criteria provided. Collection method: literature only. Allele origin: somatic. Not counted in ClinVar's aggregate classification.

James Howe Lab, University of Iowa Hospital and Clinics
No classification provided. Review status: no classification provided. Collection method: not provided. Allele origin: not provided. Not counted in ClinVar's aggregate classification.

Literature cited by the submitters: PubMed 27830187 (cited by ClinGen Brain Malformations Variant Curation Expert Panel and OMIM); PubMed 27159400 (cited by ClinGen Brain Malformations Variant Curation Expert Panel and OMIM).

NM_004958.4(MTOR):c.6644C>T (p.Ser2215Phe)

Gene: MTOR (mechanistic target of rapamycin kinase; minus strand). Cytogenetic location: 1p36.22.
Variant type: single nucleotide variant.
Coding change: c.6644C>T on transcript NM_004958.4 (MANE Select); coding-DNA position 6644, C replaced by T.
Protein change: p.Ser2215Phe; replaces serine 2215 with phenylalanine.
Molecular consequence: missense variant.
Genome position (GRCh38, 1-based): chr1:11,124,516, G>A on the plus strand (C>T on the coding strand, the complement: MTOR is on the minus strand). VCF-style: chr1-11124516-G-A. GRCh37 (hg19) VCF-style: chr1-11184573-G-A.
Other names: NM_004958.3(MTOR):c.6644C>T; p.Ser2215Phe; c.6644C>T (LRG_734t1); short protein forms S2215F.
Identifiers: ClinVar variation 156703 (VCV000156703.9), dbSNP rs587777894, ClinGen allele CA248393.